The following is an entry in ClinVar:

NM_001042432.2(CLN3):c.266G>T (p.Arg89Leu)

Gene: CLN3 (CLN3 lysosomal/endosomal transmembrane protein, battenin; minus strand). Cytogenetic location: 16p12.1.
Variant type: single nucleotide variant.
Coding change: c.266G>T on transcript NM_001042432.2 (MANE Select); coding-DNA position 266, G replaced by T.
Protein change: p.Arg89Leu; replaces arginine 89 with leucine.
Molecular consequence: missense variant. On other transcripts: intron variant (2).
Genome position (GRCh38, 1-based): chr16:28,488,619, C>A on the plus strand (G>T on the coding strand, the complement: CLN3 is on the minus strand). VCF-style: chr16-28488619-C-A. GRCh37 (hg19) VCF-style: chr16-28499940-C-A.
Other names: c.266G>T, p.Arg89Leu (NM_000086.2); c.46G>T, p.Asp16Tyr (NM_001286105.2); c.104G>T, p.Arg35Leu (NM_001286110.2); c.60+671G>T (NM_001286109.2); c.222+671G>T (NM_001286104.2); short protein forms D16Y, R35L, R89L.
Identifiers: ClinVar variation 849380 (VCV000849380.5), dbSNP rs766287694, ClinGen allele CA395346250.
Genomic context (GRCh38, chr16:28,488,619, plus strand): 5'-TCAGGCAAGGACCAGGTGAGATGAGTACGCACAGCCGTAGAGACAGAGTTGCAGTCAAAT[C>A]GTGATGAGCTGTTGTGGGGGATCGGCGTTGGGCCTGGGTCCACCTAATGGGAGAAAAGCA-3'
Protein context (NP_001035897.1, residues 79-99): PTPIPHNSSS[Arg89Leu]FDCNSVSTAA

ClinVar aggregate classification (germline): Uncertain significance (1 of 4 stars; one submission).

Conditions:
Neuronal ceroid lipofuscinosis. Also called: Neuronal Ceroid Lipofuscinoses. Identifiers: Orphanet 216, Orphanet 79263, MedGen C0027877, MONDO:0016295. Disease mechanism: loss of function.

gnomAD v4.1: 1 of 1,614,164 alleles (0.000062%); highest among the groups gnomAD compares: East Asian, 0.0022%; no homozygotes.

Submission:

Labcorp Genetics (formerly Invitae), Labcorp
Classification: Uncertain significance for Neuronal ceroid lipofuscinosis. Last evaluated: 2021-08-30. Review status: criteria provided, single submitter. Criteria: Invitae Variant Classification Sherloc (09022015). Collection method: clinical testing. Allele origin: germline.
Comment: This sequence change replaces arginine with leucine at codon 89 of the CLN3 protein (p.Arg89Leu). The arginine residue is moderately conserved and there is a moderate physicochemical difference between arginine and leucine. This variant is not present in population databases (ExAC no frequency). This variant has not been reported in the literature in individuals affected with CLN3-related conditions. Algorithms developed to predict the effect of missense changes on protein structure and function are either unavailable or do not agree on the potential impact of this missense change (SIFT: "Tolerated"; PolyPhen-2: "Probably Damaging"; Align-GVGD: "Class C0"). In summary, the available evidence is currently insufficient to determine the role of this variant in disease. Therefore, it has been classified as a Variant of Uncertain Significance.